The following is an entry in ClinVar:

ClinVar aggregate classification (germline): Uncertain significance (1 of 4 stars; one submission).

Submission:

Genetic Services Laboratory, University of Chicago
Classification: Uncertain significance. Last evaluated: 2020-12-08. Review status: criteria provided, single submitter. Criteria: ACMG Guidelines, 2015. Collection method: clinical testing. Allele origin: germline. Affected: no.
Comment: This sequence change does not appear to have been previously described in patients with POLD1-related disorders and has also not been described in the large population databases such as ExAC and gnomAD. The p.Asp987Ala change affects a poorly conserved amino acid residue located in a domain of the POLD1 protein that is not known to be functional. In-silico pathogenicity prediction tools (SIFT, PolyPhen2, Align GVGD, REVEL) provide contradictory results for the p.Asp987Ala substitution. Due to these contrasting evidences and the lack of functional studies, the clinical significance of the p.Asp987Ala change remains unknown at this time.

NM_002691.4(POLD1):c.2960A>C (p.Asp987Ala)

Gene: POLD1 (DNA polymerase delta 1, catalytic subunit; plus strand). Cytogenetic location: 19q13.33.
Variant type: single nucleotide variant.
Coding change: c.2960A>C on transcript NM_002691.4 (MANE Select); coding-DNA position 2960, A replaced by C.
Protein change: p.Asp987Ala; replaces aspartic acid 987 with alanine.
Molecular consequence: missense variant. On other transcripts: non-coding transcript variant (1).
Genome position (GRCh38, 1-based): chr19:50,416,616, A>C. VCF-style: chr19-50416616-A-C. GRCh37 (hg19) VCF-style: chr19-50919873-A-C.
Other names: c.2960A>C, p.Asp987Ala (NM_001256849.1); c.3038A>C, p.Asp1013Ala (NM_001308632.1); short protein forms D1013A, D987A.
Identifiers: ClinVar variation 1337791 (VCV001337791.4), dbSNP rs2122495383, ClinGen allele CA406986783.
Genomic context (GRCh38, chr19:50,416,616, plus strand): 5'-ACCCTGGGGGGGCAGAGGAGATCACCGGCCCACCACCTGCCTCCTCTCCTGCAGGGGGGG[A>C]CCACACGCGCTGCAAGACGGTGCTCACGGGCAAGGTGGGCGGCCTCCTGGCCTTCGCCAA-3'
Protein context (NP_002682.2, residues 977-997): GRAEAVLLRG[Asp987Ala]HTRCKTVLTG